The following is an entry in ClinVar:

NM_198525.3(KIF7):c.3319-3C>G

Genes: KIF7 (kinesin family member 7; minus strand), LOC126862216 (BRD4-independent group 4 enhancer GRCh37_chr15:90171995-90173194; plus strand). Cytogenetic location: 15q26.1.
Variant type: single nucleotide variant.
Coding change: c.3319-3C>G on transcript NM_198525.3 (MANE Select); 3 bases into the intron before coding-DNA position 3319, C replaced by G.
Molecular consequence: intron variant.
Genome position (GRCh38, 1-based): chr15:89,629,576, G>C on the plus strand (C>G on the coding strand, the complement: KIF7 is on the minus strand). VCF-style: chr15-89629576-G-C. GRCh37 (hg19) VCF-style: chr15-90172807-G-C.
Identifiers: ClinVar variation 1507754 (VCV001507754.6), dbSNP rs1596065056, ClinGen allele CA2194756836.

ClinVar aggregate classification (germline): Uncertain significance (1 of 4 stars; one submission).

Conditions:
Acrocallosal syndrome (ACLS). Also called: HALLUX DUPLICATION, POSTAXIAL POLYDACTYLY, AND ABSENCE OF CORPUS CALLOSUM; Schinzel syndrome 1; Absence of corpus callosum with unusual facial appearance, mental deficiency, duplication of the halluces and polydactyly. Identifiers: Orphanet 36, MedGen C0796147, MONDO:0008708, OMIM 200990.

Submission:

Labcorp Genetics (formerly Invitae), Labcorp
Classification: Uncertain significance for Acrocallosal syndrome. Last evaluated: 2022-06-03. Review status: criteria provided, single submitter. Criteria: Invitae Variant Classification Sherloc (09022015). Collection method: clinical testing. Allele origin: germline.
Comment: In summary, the available evidence is currently insufficient to determine the role of this variant in disease. Therefore, it has been classified as a Variant of Uncertain Significance. Variants that disrupt the consensus splice site are a relatively common cause of aberrant splicing (PMID: 17576681, 9536098). Algorithms developed to predict the effect of sequence changes on RNA splicing suggest that this variant may disrupt the consensus splice site. ClinVar contains an entry for this variant (Variation ID: 1507754). This variant has not been reported in the literature in individuals affected with KIF7-related conditions. This variant is not present in population databases (gnomAD no frequency). This sequence change falls in intron 16 of the KIF7 gene. It does not directly change the encoded amino acid sequence of the KIF7 protein. It affects a nucleotide within the consensus splice site.

Literature cited by the submitters: PubMed 17576681; PubMed 9536098.